The following is an entry in ClinVar:

ClinVar aggregate classification (germline): Pathogenic. Review status: criteria provided, multiple submitters, no conflicts (2 of 4 stars). 3 submissions from 3 submitters: Pathogenic (2). 1 of the submissions does not count toward it. Last evaluated 2017-05-18.

Conditions:
Inborn genetic diseases. Identifiers: MedGen C0950123, MeSH D030342.
Kleefstra syndrome 1 (KLEFS1). Identifiers: Orphanet 261494, MedGen C0795833, MONDO:0027407, OMIM 610253.

Submissions (3):

Ambry Genetics
Classification: Pathogenic for Inborn genetic diseases. Last evaluated: 2017-05-18. Review status: criteria provided, single submitter. Criteria: Ambry exome assertion method (8-5-2015). Collection method: clinical testing. Allele origin: germline. Affected: yes. Observed: 1 variant allele.

Laboratory of Genetics, Children's Clinical University Hospital Latvia
Classification: Pathogenic for Kleefstra syndrome 1. Review status: criteria provided, single submitter. Criteria: ACMG Guidelines, 2015. Collection method: curation. Allele origin: germline. Affected: yes.
Comment: Inheritance unknown

GeneReviews
No classification provided. Condition: Kleefstra syndrome 1. Review status: no classification provided. Collection method: literature only. Allele origin: unknown. Not counted in ClinVar's aggregate classification.

Literature cited by the submitters: PubMed 19264732 (cited by Ambry Genetics and GeneReviews); PubMed 39013458 (cited by Laboratory of Genetics, Children's Clinical University Hospital Latvia); PubMed 20945554 (cited by GeneReviews); NCBI Bookshelf NBK47079 (cited by GeneReviews).

NM_024757.5(EHMT1):c.2193-1G>C

Gene: EHMT1 (euchromatic histone lysine methyltransferase 1; plus strand). Cytogenetic location: 9q34.3.
Variant type: single nucleotide variant.
Coding change: c.2193-1G>C on transcript NM_024757.5 (MANE Select); the canonical splice acceptor site of the intron before coding-DNA position 2193, G replaced by C.
Molecular consequence: splice acceptor variant.
Genome position (GRCh38, 1-based): chr9:137,779,634, G>C. VCF-style: chr9-137779634-G-C. GRCh37 (hg19) VCF-style: chr9-140674086-G-C.
Other names: c.2172-1G>C (NM_001354263.2); c.2100-1G>C (NM_001354259.2); c.2193-1G>C (NM_001145527.2).
Identifiers: ClinVar variation 65731 (VCV000065731.7), dbSNP rs137852720, ClinGen allele CA345056.